The following is an entry in ClinVar:

ClinVar aggregate classification (germline): Uncertain significance. Review status: criteria provided, multiple submitters, no conflicts (2 of 4 stars). 3 submissions from 3 submitters: Uncertain significance (3). Last evaluated 2024-08-07.

Allele frequency attached by ClinVar (database versions not stated): gnomAD exomes below 0.00001; TOPMed below 0.00001; gnomAD 0.00001.
gnomAD v4.1: 4 of 1,612,770 alleles (0.00025%); highest among the groups gnomAD compares: Non-Finnish European, 0.00034%; no homozygotes.

Submissions (3):

Labcorp Genetics (formerly Invitae), Labcorp
Classification: Uncertain significance. Last evaluated: 2024-08-07. Review status: criteria provided, single submitter. Criteria: Invitae Variant Classification Sherloc (09022015). Collection method: clinical testing. Allele origin: germline.
Comment: This sequence change replaces valine, which is neutral and non-polar, with methionine, which is neutral and non-polar, at codon 164 of the GNAT1 protein (p.Val164Met). This variant is not present in population databases (gnomAD no frequency). This variant has not been reported in the literature in individuals affected with GNAT1-related conditions. ClinVar contains an entry for this variant (Variation ID: 1712169). Advanced modeling of protein sequence and biophysical properties (such as structural, functional, and spatial information, amino acid conservation, physicochemical variation, residue mobility, and thermodynamic stability) performed at Invitae indicates that this missense variant is not expected to disrupt GNAT1 protein function with a negative predictive value of 80%. In summary, the available evidence is currently insufficient to determine the role of this variant in disease. Therefore, it has been classified as a Variant of Uncertain Significance.

Blueprint Genetics
Classification: Uncertain significance. Last evaluated: 2024-06-19. Review status: criteria provided, single submitter. Criteria: ACMG Guidelines, 2015. Collection method: clinical testing. Allele origin: germline.

GeneDx
Classification: Uncertain significance. Last evaluated: 2022-04-01. Review status: criteria provided, single submitter. Criteria: GeneDx Variant Classification Process June 2021. Collection method: clinical testing. Allele origin: germline. Affected: yes.
Comment: Not observed at significant frequency in large population cohorts (gnomAD); In silico analysis supports that this missense variant does not alter protein structure/function; Has not been previously published as pathogenic or benign to our knowledge

NM_144499.3(GNAT1):c.490G>A (p.Val164Met)

Gene: GNAT1 (G protein subunit alpha transducin 1; plus strand). Cytogenetic location: 3p21.31.
Variant type: single nucleotide variant.
Coding change: c.490G>A on transcript NM_144499.3 (MANE Select); coding-DNA position 490, G replaced by A.
Protein change: p.Val164Met; replaces valine 164 with methionine.
Molecular consequence: missense variant.
Genome position (GRCh38, 1-based): chr3:50,193,793, G>A. VCF-style: chr3-50193793-G-A. GRCh37 (hg19) VCF-style: chr3-50231226-G-A.
Other names: c.490G>A, p.Val164Met (NM_000172.4); short protein forms V164M.
Identifiers: ClinVar variation 1712169 (VCV001712169.5), dbSNP rs1405575787, ClinGen allele CA352916256.